The following is an entry in ClinVar:

NM_000321.3(RB1):c.481C>T (p.Leu161Phe)

Gene: RB1 (RB transcriptional corepressor 1; plus strand). Cytogenetic location: 13q14.2.
Variant type: single nucleotide variant.
Coding change: c.481C>T on transcript NM_000321.3 (MANE Select); coding-DNA position 481, C replaced by T.
Protein change: p.Leu161Phe; replaces leucine 161 with phenylalanine.
Molecular consequence: missense variant.
Genome position (GRCh38, 1-based): chr13:48,345,180, C>T. VCF-style: chr13-48345180-C-T. GRCh37 (hg19) VCF-style: chr13-48919316-C-T.
Other names: c.481C>T, p.Leu161Phe (NM_001407165.1, NM_001407166.1); short protein forms L161F.
Identifiers: ClinVar variation 1743344 (VCV001743344.5), dbSNP rs2138087763, ClinGen allele CA388252819.

ClinVar aggregate classification (germline): Uncertain significance. Review status: criteria provided, multiple submitters, no conflicts (2 of 4 stars). 3 submissions from 3 submitters: Uncertain significance (3). Last evaluated 2025-06-23.

Conditions:
Hereditary cancer-predisposing syndrome. Also called: Hereditary Cancer Syndrome; Neoplastic Syndromes, Hereditary; Tumor predisposition; Hereditary neoplastic syndrome. Identifiers: Orphanet 140162, MedGen C0027672, MeSH D009386, MONDO:0015356.
Retinoblastoma (RB1). Also called: RETINOBLASTOMA, SOMATIC. Identifiers: Orphanet 790, MedGen C0035335, MeSH D012175, MONDO:0008380, OMIM 180200, HP:0009919. Disease mechanism: loss of function. Inheritance: Both sporadic and heritable forms are tested..

Submissions (3):

Color Diagnostics, LLC DBA Color Health
Classification: Uncertain significance for Retinoblastoma. Last evaluated: 2025-06-23. Review status: criteria provided, single submitter. Criteria: ACMG Guidelines, 2015. Collection method: clinical testing. Allele origin: germline.
Comment: This missense variant replaces leucine with phenylalanine at codon 161 of the RB1 protein. Computational prediction is inconclusive regarding the impact of this variant on protein structure and function. To our knowledge, functional studies have not been reported for this variant. This variant has not been reported in individuals affected with RB1-related disorders in the literature. This variant has not been identified in the general population by the Genome Aggregation Database (gnomAD). The available evidence is insufficient to determine the role of this variant in disease conclusively. Therefore, this variant is classified as a Variant of Uncertain Significance.

Labcorp Genetics (formerly Invitae), Labcorp
Classification: Uncertain significance for Retinoblastoma. Last evaluated: 2024-09-03. Review status: criteria provided, single submitter. Criteria: Invitae Variant Classification Sherloc (09022015). Collection method: clinical testing. Allele origin: germline.
Comment: This sequence change replaces leucine, which is neutral and non-polar, with phenylalanine, which is neutral and non-polar, at codon 161 of the RB1 protein (p.Leu161Phe). This variant is not present in population databases (gnomAD no frequency). This variant has not been reported in the literature in individuals affected with RB1-related conditions. ClinVar contains an entry for this variant (Variation ID: 1743344). Invitae Evidence Modeling of protein sequence and biophysical properties (such as structural, functional, and spatial information, amino acid conservation, physicochemical variation, residue mobility, and thermodynamic stability) indicates that this missense variant is expected to disrupt RB1 protein function with a positive predictive value of 80%. In summary, the available evidence is currently insufficient to determine the role of this variant in disease. Therefore, it has been classified as a Variant of Uncertain Significance.

Ambry Genetics
Classification: Uncertain significance for Hereditary cancer-predisposing syndrome. Last evaluated: 2022-06-02. Review status: criteria provided, single submitter. Criteria: Ambry Variant Classification Scheme 2023. Collection method: clinical testing. Allele origin: germline.
Comment: The p.L161F variant (also known as c.481C>T), located in coding exon 4 of the RB1 gene, results from a C to T substitution at nucleotide position 481. The leucine at codon 161 is replaced by phenylalanine, an amino acid with highly similar properties. This amino acid position is conserved. In addition, the in silico prediction for this alteration is inconclusive. Since supporting evidence is limited at this time, the clinical significance of this alteration remains unclear.